The following is an entry in ClinVar:

ClinVar aggregate classification (germline): Uncertain significance (1 of 4 stars; one submission).

Allele frequency attached by ClinVar (database versions not stated): gnomAD exomes 0.00001.
gnomAD v4.1: 3 of 1,614,058 alleles (0.00019%); highest among the groups gnomAD compares: Non-Finnish European, 0.00025%; no homozygotes.

Submission:

Labcorp Genetics (formerly Invitae), Labcorp
Classification: Uncertain significance. Last evaluated: 2022-10-12. Review status: criteria provided, single submitter. Criteria: Invitae Variant Classification Sherloc (09022015). Collection method: clinical testing. Allele origin: germline.
Comment: Algorithms developed to predict the effect of missense changes on protein structure and function (SIFT, PolyPhen-2, Align-GVGD) all suggest that this variant is likely to be tolerated. In summary, the available evidence is currently insufficient to determine the role of this variant in disease. Therefore, it has been classified as a Variant of Uncertain Significance. ClinVar contains an entry for this variant (Variation ID: 1438907). This variant has not been reported in the literature in individuals affected with CACNA1D-related conditions. This variant is not present in population databases (gnomAD no frequency). This sequence change replaces isoleucine, which is neutral and non-polar, with valine, which is neutral and non-polar, at codon 895 of the CACNA1D protein (p.Ile895Val).

NM_001128840.3(CACNA1D):c.2623A>G (p.Ile875Val)

Gene: CACNA1D (calcium voltage-gated channel subunit alpha1 D; plus strand). Cytogenetic location: 3p21.1.
Variant type: single nucleotide variant.
Coding change: c.2623A>G on transcript NM_001128840.3 (MANE Select); coding-DNA position 2623, A replaced by G.
Protein change: p.Ile875Val; replaces isoleucine 875 with valine.
Molecular consequence: missense variant.
Genome position (GRCh38, 1-based): chr3:53,735,375, A>G. VCF-style: chr3-53735375-A-G. GRCh37 (hg19) VCF-style: chr3-53769402-A-G.
Other names: c.2683A>G, p.Ile895Val (NM_000720.4); c.2623A>G, p.Ile875Val (NM_001128839.3); short protein forms I895V, I875V.
Identifiers: ClinVar variation 1438907 (VCV001438907.6), dbSNP rs2108786457, ClinGen allele CA353242221.